The following is an entry in ClinVar:

NM_000936.4(PNLIP):c.1060C>T (p.Arg354Cys)

Gene: PNLIP (pancreatic lipase; plus strand). Cytogenetic location: 10q25.3.
Variant type: single nucleotide variant.
Coding change: c.1060C>T on transcript NM_000936.4 (MANE Select); coding-DNA position 1060, C replaced by T.
Protein change: p.Arg354Cys; replaces arginine 354 with cysteine.
Molecular consequence: missense variant.
Genome position (GRCh38, 1-based): chr10:116,559,283, C>T. VCF-style: chr10-116559283-C-T. GRCh37 (hg19) VCF-style: chr10-118318795-C-T.
Other names: short protein forms R354C.
Identifiers: ClinVar variation 2048463 (VCV002048463.3), dbSNP rs781513188, ClinGen allele CA5706673.

ClinVar aggregate classification (germline): Uncertain significance (1 of 4 stars; one submission).

Allele frequency attached by ClinVar (database versions not stated): ExAC 0.00002.
gnomAD v4.1: 63 of 1,607,862 alleles (0.0039%); highest among the groups gnomAD compares: Middle Eastern, 0.033%; no homozygotes.

Submission:

Labcorp Genetics (formerly Invitae), Labcorp
Classification: Uncertain significance. Last evaluated: 2023-06-27. Review status: criteria provided, single submitter. Criteria: Invitae Variant Classification Sherloc (09022015). Collection method: clinical testing. Allele origin: germline.
Comment: ClinVar contains an entry for this variant (Variation ID: 2048463). This sequence change replaces arginine, which is basic and polar, with cysteine, which is neutral and slightly polar, at codon 354 of the PNLIP protein (p.Arg354Cys). This variant is present in population databases (rs781513188, gnomAD 0.006%). This variant has not been reported in the literature in individuals affected with PNLIP-related conditions. An algorithm developed to predict the effect of missense changes on protein structure and function (PolyPhen-2) suggests that this variant is likely to be disruptive. In summary, the available evidence is currently insufficient to determine the role of this variant in disease. Therefore, it has been classified as a Variant of Uncertain Significance.